The following is an entry in ClinVar:

ClinVar aggregate classification (germline): Uncertain significance (1 of 4 stars; one submission).

gnomAD v4.1: 2 of 1,609,110 alleles (0.00012%); highest among the groups gnomAD compares: Non-Finnish European, 0.00017%; no homozygotes.

Submission:

GeneDx
Classification: Uncertain significance. Last evaluated: 2024-07-10. Review status: criteria provided, single submitter. Criteria: GeneDx Variant Classification Process June 2021. Collection method: clinical testing. Allele origin: germline. Affected: yes.
Comment: Not observed at significant frequency in large population cohorts (gnomAD); In silico analysis supports that this missense variant has a deleterious effect on protein structure/function; Has not been previously published as pathogenic or benign to our knowledge

NM_021096.4(CACNA1I):c.3723C>A (p.Asn1241Lys)

Gene: CACNA1I (calcium voltage-gated channel subunit alpha1 I; plus strand). Cytogenetic location: 22q13.1.
Variant type: single nucleotide variant.
Coding change: c.3723C>A on transcript NM_021096.4 (MANE Select); coding-DNA position 3723, C replaced by A.
Protein change: p.Asn1241Lys; replaces asparagine 1241 with lysine.
Molecular consequence: missense variant.
Genome position (GRCh38, 1-based): chr22:39,664,795, C>A. VCF-style: chr22-39664795-C-A. GRCh37 (hg19) VCF-style: chr22-40060800-C-A.
Other names: c.3618C>A, p.Asn1206Lys (NM_001003406.2); short protein forms N1241K, N1206K.
Identifiers: ClinVar variation 3572810 (VCV003572810.1).
Genomic context (GRCh38, chr22:39,664,795, plus strand): 5'-CCAGGTAGTCTCGCTGGGCCTGTACTTCGGCGAGCAGGCGTACCTACGCAGCAGCTGGAA[C>A]GTGCTGGATGGCTTTCTTGTCTTCGTGTCCATCATCGACATCGTGGTGTCCCTGGCCTCA-3'
Protein context (NP_066919.2, residues 1231-1251): GEQAYLRSSW[Asn1241Lys]VLDGFLVFVS